The following is an entry in ClinVar:

NM_020822.3(KCNT1):c.1663C>T (p.Arg555Cys)

Gene: KCNT1 (potassium sodium-activated channel subfamily T member 1; plus strand). Cytogenetic location: 9q34.3.
Variant type: single nucleotide variant.
Coding change: c.1663C>T on transcript NM_020822.3 (MANE Select); coding-DNA position 1663, C replaced by T.
Protein change: p.Arg555Cys; replaces arginine 555 with cysteine.
Molecular consequence: missense variant.
Genome position (GRCh38, 1-based): chr9:135,770,341, C>T. VCF-style: chr9-135770341-C-T. GRCh37 (hg19) VCF-style: chr9-138662187-C-T.
Other names: c.1663C>T (NM_020822.2); c.1528C>T, p.Arg510Cys (NM_001272003.2); short protein forms R510C, R555C.
Identifiers: ClinVar variation 1020308 (VCV001020308.8), dbSNP rs774249834, ClinGen allele CA5327019.
Genomic context (GRCh38, chr9:135,770,341, plus strand): 5'-CCCGCCCTGGCCCACAGGGAGGGACAGGAGTCTCCGGAGCAGTGGCAGCGCATGTATGGG[C>T]GCTGCTCCGGCAACGAGGTGTACCACATCCGCATGGGTGACAGCAAGTTCTTCCGCGAGT-3'
Protein context (NP_065873.2, residues 545-565): SPEQWQRMYG[Arg555Cys]CSGNEVYHIR

ClinVar aggregate classification (germline): Uncertain significance. Review status: criteria provided, multiple submitters, no conflicts (2 of 4 stars). 2 submissions from 2 submitters: Uncertain significance (2). Last evaluated 2024-11-05.

Conditions:
Inborn genetic diseases. Identifiers: MedGen C0950123, MeSH D030342.
Autosomal dominant nocturnal frontal lobe epilepsy 5. Also called: KCNT1-Related Epilepsy; CILIARY DYSKINESIA, PRIMARY, 28, WITHOUT SITUS INVERSUS; CILIARY DYSKINESIA, PRIMARY, 28, WITH SITUS INVERSUS; Epilepsy, nocturnal frontal lobe, 5. Identifiers: Orphanet 98784, MedGen C3554306, MONDO:0014002, OMIM 615005.
Developmental and epileptic encephalopathy, 14 (DEE14). Also called: Early infantile epileptic encephalopathy 14. Identifiers: Orphanet 293181, MedGen C3554195, MONDO:0013989, OMIM 614959.

Allele frequency attached by ClinVar (database versions not stated): TOPMed below 0.00001; ExAC 0.00002; gnomAD exomes 0.00002.
gnomAD v4.1: 24 of 1,612,290 alleles (0.0015%); highest among the groups gnomAD compares: South Asian, 0.0022%; no homozygotes.

Submissions (2):

Labcorp Genetics (formerly Invitae), Labcorp
Classification: Uncertain significance for Autosomal dominant nocturnal frontal lobe epilepsy 5; Developmental and epileptic encephalopathy, 14. Last evaluated: 2024-11-05. Review status: criteria provided, single submitter. Criteria: Invitae Variant Classification Sherloc (09022015). Collection method: clinical testing. Allele origin: germline.
Comment: This sequence change replaces arginine, which is basic and polar, with cysteine, which is neutral and slightly polar, at codon 555 of the KCNT1 protein (p.Arg555Cys). This variant is present in population databases (rs774249834, gnomAD 0.003%). This missense change has been observed in individual(s) with clinical features of KCNT1-related conditions (internal data). ClinVar contains an entry for this variant (Variation ID: 1020308). Invitae Evidence Modeling of protein sequence and biophysical properties (such as structural, functional, and spatial information, amino acid conservation, physicochemical variation, residue mobility, and thermodynamic stability) indicates that this missense variant is not expected to disrupt KCNT1 protein function with a negative predictive value of 80%. In summary, the available evidence is currently insufficient to determine the role of this variant in disease. Therefore, it has been classified as a Variant of Uncertain Significance.

Ambry Genetics
Classification: Uncertain significance for Inborn genetic diseases. Last evaluated: 2024-08-19. Review status: criteria provided, single submitter. Criteria: Ambry Variant Classification Scheme 2023. Collection method: clinical testing. Allele origin: germline.